The following is an entry in ClinVar:

ClinVar aggregate classification (germline): Pathogenic (1 of 4 stars; one submission).

Conditions:
Hereditary spastic paraplegia 45. Also called: Spastic paraplegia 45, autosomal recessive; SPASTIC PARAPLEGIA 45. Identifiers: Orphanet 320396, MedGen C3888209, MONDO:0013165, OMIM 613162.

Submission:

Labcorp Genetics (formerly Invitae), Labcorp
Classification: Pathogenic for Hereditary spastic paraplegia 45. Last evaluated: 2025-08-24. Review status: criteria provided, single submitter. Criteria: Invitae Variant Classification Sherloc (09022015). Collection method: clinical testing. Allele origin: germline.
Comment: This sequence change creates a premature translational stop signal (p.Thr173Tyrfs*2) in the NT5C2 gene. It is expected to result in an absent or disrupted protein product. Loss-of-function variants in NT5C2 are known to be pathogenic (PMID: 24482476). This variant is not present in population databases (gnomAD no frequency). This variant has not been reported in the literature in individuals affected with NT5C2-related conditions. For these reasons, this variant has been classified as Pathogenic.

Literature cited by the submitters: PubMed 24482476.

NM_001351169.2(NT5C2):c.516dup (p.Thr173fs)

Gene: NT5C2 (5'-nucleotidase, cytosolic II; minus strand). Cytogenetic location: 10q24.33.
Variant type: Duplication.
Coding change: c.516dup on transcript NM_001351169.2 (MANE Select); coding-DNA position 516, one base duplicated (T; older notation c.516dupT).
Protein change: p.Thr173fs; shifts the reading frame from threonine 173.
Molecular consequence: frameshift variant. On other transcripts: 5 prime UTR variant (22).
Genome position (GRCh38, 1-based): chr10:103,101,068, A duplicated on the plus strand (T on the coding strand, the reverse complement: NT5C2 is on the minus strand); the first of 7 consecutive A bases (chr10:103,101,068-103,101,074); duplicating any one gives the same sequence. VCF-style (leftmost placement, unchanged base first): chr10-103101067-T-TA. GRCh37 (hg19) VCF-style: chr10-104860824-T-TA.
Other names: c.516dup, p.Thr173fs (NM_001134373.3, NM_012229.5); c.540dup, p.Thr181fs (NM_001351170.2, NM_001351171.2, NM_001351172.2 and 1 more transcripts); c.429dup, p.Thr144fs (NM_001351174.1); c.423dup, p.Thr142fs (NM_001351175.2); c.-58dup (NM_001351176.2, NM_001351177.2, NM_001351178.2 and 6 more transcripts); c.-250dup (NM_001351179.2, NM_001351180.2, NM_001351182.2 and 4 more transcripts); c.-271dup (NM_001351185.2, NM_001351187.2); c.-143dup (NM_001351190.2); and 1 more; short protein forms T142fs, T181fs, T144fs, T173fs.
Identifiers: ClinVar variation 4699797 (VCV004699797.1).